The following is an entry in ClinVar:

ClinVar aggregate classification (germline): Uncertain significance (1 of 4 stars; one submission).

Submission:

Labcorp Genetics (formerly Invitae), Labcorp
Classification: Uncertain significance. Last evaluated: 2024-02-05. Review status: criteria provided, single submitter. Criteria: Invitae Variant Classification Sherloc (09022015). Collection method: clinical testing. Allele origin: germline.
Comment: This sequence change replaces asparagine, which is neutral and polar, with serine, which is neutral and polar, at codon 2280 of the KMT2A protein (p.Asn2280Ser). This variant is not present in population databases (gnomAD no frequency). This variant has not been reported in the literature in individuals affected with KMT2A-related conditions. ClinVar contains an entry for this variant (Variation ID: 1468430). Advanced modeling of protein sequence and biophysical properties (such as structural, functional, and spatial information, amino acid conservation, physicochemical variation, residue mobility, and thermodynamic stability) performed at Invitae indicates that this missense variant is not expected to disrupt KMT2A protein function with a negative predictive value of 95%. In summary, the available evidence is currently insufficient to determine the role of this variant in disease. Therefore, it has been classified as a Variant of Uncertain Significance.

NM_001197104.2(KMT2A):c.6839A>G (p.Asn2280Ser)

Gene: KMT2A (lysine methyltransferase 2A; plus strand). Cytogenetic location: 11q23.3.
Variant type: single nucleotide variant.
Coding change: c.6839A>G on transcript NM_001197104.2 (MANE Select); coding-DNA position 6839, A replaced by G.
Protein change: p.Asn2280Ser; replaces asparagine 2280 with serine.
Molecular consequence: missense variant.
Genome position (GRCh38, 1-based): chr11:118,502,731, A>G. VCF-style: chr11-118502731-A-G. GRCh37 (hg19) VCF-style: chr11-118373446-A-G.
Other names: c.6830A>G, p.Asn2277Ser (NM_005933.4); short protein forms N2277S, N2280S.
Identifiers: ClinVar variation 1468430 (VCV001468430.8), dbSNP rs2134386296, ClinGen allele CA382803176.